The following is an entry in ClinVar:

ClinVar aggregate classification (germline): Uncertain significance (1 of 4 stars; one submission).

Conditions:
Autosomal recessive limb-girdle muscular dystrophy type R18 (LGMDR18). Also called: Limb-girdle muscular dystrophy, type 2S; MUSCULAR DYSTROPHY, LIMB-GIRDLE, AUTOSOMAL RECESSIVE 18; Autosomal recessive limb-girdle muscular dystrophy type 2S. Identifiers: Orphanet 369840, MedGen C4517996, MONDO:0014144, OMIM 615356.

Allele frequency attached by ClinVar (database versions not stated): ExAC 0.00001.
gnomAD v4.1: 7 of 1,613,628 alleles (0.00043%); highest among the groups gnomAD compares: Non-Finnish European, 0.00059%; no homozygotes.

Submission:

Labcorp Genetics (formerly Invitae), Labcorp
Classification: Uncertain significance for Autosomal recessive limb-girdle muscular dystrophy type R18. Last evaluated: 2022-05-19. Review status: criteria provided, single submitter. Criteria: Invitae Variant Classification Sherloc (09022015). Collection method: clinical testing. Allele origin: germline.
Comment: In summary, the available evidence is currently insufficient to determine the role of this variant in disease. Therefore, it has been classified as a Variant of Uncertain Significance. This sequence change affects codon 393 of the TRAPPC11 mRNA. It is a 'silent' change, meaning that it does not change the encoded amino acid sequence of the TRAPPC11 protein. This variant is present in population databases (rs753409389, gnomAD 0.003%). This variant has not been reported in the literature in individuals affected with TRAPPC11-related conditions. Algorithms developed to predict the effect of sequence changes on RNA splicing suggest that this variant may disrupt the consensus splice site.

NM_021942.6(TRAPPC11):c.1179A>G (p.Gly393=)

Gene: TRAPPC11 (trafficking protein particle complex subunit 11; plus strand). Cytogenetic location: 4q35.1.
Variant type: single nucleotide variant.
Coding change: c.1179A>G on transcript NM_021942.6 (MANE Select); coding-DNA position 1179, A replaced by G.
Protein change: p.Gly393=; no amino-acid change (glycine 393 retained).
Molecular consequence: synonymous variant.
Genome position (GRCh38, 1-based): chr4:183,682,797, A>G. VCF-style: chr4-183682797-A-G. GRCh37 (hg19) VCF-style: chr4-184603950-A-G.
Other names: c.1179A>G, p.Gly393= (NM_199053.3).
Identifiers: ClinVar variation 2139621 (VCV002139621.4), dbSNP rs753409389, ClinGen allele CA3151814.